The following is an entry in ClinVar:

NM_000051.4(ATM):c.4499A>G (p.Gln1500Arg)

Gene: ATM (ATM serine/threonine kinase; plus strand). Cytogenetic location: 11q22.3.
Variant type: single nucleotide variant.
Coding change: c.4499A>G on transcript NM_000051.4 (MANE Select); coding-DNA position 4499, A replaced by G.
Protein change: p.Gln1500Arg; replaces glutamine 1500 with arginine.
Molecular consequence: missense variant.
Genome position (GRCh38, 1-based): chr11:108,292,681, A>G. VCF-style: chr11-108292681-A-G. GRCh37 (hg19) VCF-style: chr11-108163408-A-G.
Other names: c.4499A>G, p.Gln1500Arg (NM_001351834.2); short protein forms Q1500R.
Identifiers: ClinVar variation 187509 (VCV000187509.18), dbSNP rs786203789, ClinGen allele CA197830.
Genomic context (GRCh38, chr11:108,292,681, plus strand): 5'-CTTCTTGTATCATGGATGTGTCATTACGTAGCTTCTCCCTTTGTTGTGACTTATTAAGTC[A>G]GGTTTGCCAGACAGCCGTGACTTACTGTAAGGATGCTCTAGAAAACCATCTTCATGTTAT-3'
Protein context (NP_000042.3, residues 1490-1510): SFSLCCDLLS[Gln1500Arg]VCQTAVTYCK

ClinVar aggregate classification (germline): Uncertain significance. Review status: criteria provided, multiple submitters, no conflicts (2 of 4 stars). 4 submissions from 4 submitters: Uncertain significance (4). Last evaluated 2024-07-31.

Conditions:
Hereditary cancer-predisposing syndrome. Also called: Hereditary Cancer Syndrome; Neoplastic Syndromes, Hereditary; Tumor predisposition; Hereditary neoplastic syndrome. Identifiers: Orphanet 140162, MedGen C0027672, MeSH D009386, MONDO:0015356.
Familial cancer of breast. Also called: BREAST CANCER, FAMILIAL; Hereditary breast cancer; hereditary breast carcinoma. Identifiers: Orphanet 227535, MedGen C0346153, MONDO:0016419, OMIM 114480. Disease mechanism: loss of function.
Ataxia-telangiectasia syndrome (AT). Also called: Ataxia-telangiectasia, complementation group D; AT, COMPLEMENTATION GROUP C; ATAXIA-TELANGIECTASIA, COMPLEMENTATION GROUP A; ATAXIA-TELANGIECTASIA, FRESNO VARIANT; Ataxia-telangiectasia; LOUIS-BAR SYNDROME. Identifiers: Orphanet 100, MedGen C0004135, MONDO:0008840, OMIM 208900.

Submissions (4):

KCCC/NGS Laboratory, Kuwait Cancer Control Center
Classification: Uncertain significance for Familial cancer of breast. Last evaluated: 2024-07-31. Review status: criteria provided, single submitter. Criteria: ACMG Guidelines, 2015. Collection method: clinical testing. Allele origin: germline. Inheritance: Autosomal dominant inheritance. Affected: yes. Observed: 1 heterozygote.
Comment: This sequence change replaces glutamine with arginine at codon 1500 of the ATM protein (p.Gln1500Arg). This amino acid position is poorly conserved. This variant is not present in population databases (ExAC no frequency). This variant has not been reported in the literature in individuals with ATM-related disease. ClinVar contains an entry for this variant (Variation ID: 187509). In addition, this alteration is predicted to be tolerated by in silico analysis. These predictions have not been confirmed by published functional studies and their clinical significance is uncertain. In summary, the available evidence is currently insufficient to determine the role of this variant in disease. Therefore, it has been classified as a Variant of Uncertain Significance.

Color Diagnostics, LLC DBA Color Health
Classification: Uncertain significance for Hereditary cancer-predisposing syndrome. Last evaluated: 2023-09-24. Review status: criteria provided, single submitter. Criteria: ACMG Guidelines, 2015. Collection method: clinical testing. Allele origin: germline.
Comment: This missense variant replaces glutamine with arginine at codon 1500 of the ATM protein. Computational prediction suggests that this variant may not impact protein structure and function (internally defined REVEL score threshold <= 0.5, PMID: 27666373). To our knowledge, functional studies have not been reported for this variant. This variant has not been reported in individuals affected with ATM-related disorders in the literature. This variant has not been identified in the general population by the Genome Aggregation Database (gnomAD). The available evidence is insufficient to determine the role of this variant in disease conclusively. Therefore, this variant is classified as a Variant of Uncertain Significance.

Labcorp Genetics (formerly Invitae), Labcorp
Classification: Uncertain significance for Ataxia-telangiectasia syndrome. Last evaluated: 2020-04-02. Review status: criteria provided, single submitter. Criteria: Invitae Variant Classification Sherloc (09022015). Collection method: clinical testing. Allele origin: germline.
Comment: In summary, the available evidence is currently insufficient to determine the role of this variant in disease. Therefore, it has been classified as a Variant of Uncertain Significance. Algorithms developed to predict the effect of missense changes on protein structure and function output the following: SIFT: "Tolerated"; PolyPhen-2: "Benign"; Align-GVGD: "Class C0". The arginine amino acid residue is found in multiple mammalian species, suggesting that this missense change does not adversely affect protein function. These predictions have not been confirmed by published functional studies and their clinical significance is uncertain. This variant has not been reported in the literature in individuals with ATM-related disease. ClinVar contains an entry for this variant (Variation ID: 187509). This variant is not present in population databases (ExAC no frequency). This sequence change replaces glutamine with arginine at codon 1500 of the ATM protein (p.Gln1500Arg). The glutamine residue is weakly conserved and there is a small physicochemical difference between glutamine and arginine.

Ambry Genetics
Classification: Uncertain significance for Hereditary cancer-predisposing syndrome. Last evaluated: 2014-12-19. Review status: criteria provided, single submitter. Criteria: Ambry Variant Classification Scheme 2023. Collection method: clinical testing. Allele origin: germline.
Comment: The p.Q1500R variant (also known as c.4499A>G), located in coding exon 29 of the ATM gene, results from an A to G substitution at nucleotide position 4499. The glutamine at codon 1500 is replaced by arginine, an amino acid with some highly similar properties. This variant was not reported in population based cohorts in the following databases: Database of Single Nucleotide Polymorphisms (dbSNP), NHLBI Exome Sequencing Project (ESP), and 1000 Genomes Project. In the ESP, this variant was not observed in 6499 samples (12998 alleles) with coverage at this position. To date, this alteration has been detected with an allele frequency of approximately 0.002% (greater than 41000 alleles tested) in our clinical cohort. This amino acid position is poorly conserved in available vertebrate species. In addition, this alteration is predicted to be tolerated by in silico analysis. Since supporting evidence is limited at this time, the clinical significance of p.Q1500R remains unclear.